The following is an entry in ClinVar:

NM_021005.4(NR2F2):c.484G>C (p.Gly162Arg)

Gene: NR2F2 (nuclear receptor subfamily 2 group F member 2; plus strand). Cytogenetic location: 15q26.2.
Variant type: single nucleotide variant.
Coding change: c.484G>C on transcript NM_021005.4 (MANE Select); coding-DNA position 484, G replaced by C.
Protein change: p.Gly162Arg; replaces glycine 162 with arginine.
Molecular consequence: missense variant.
Genome position (GRCh38, 1-based): chr15:96,334,117, G>C. VCF-style: chr15-96334117-G-C. GRCh37 (hg19) VCF-style: chr15-96877346-G-C.
Other names: c.85G>C, p.Gly29Arg (NM_001145155.2); c.25G>C, p.Gly9Arg (NM_001145156.1, NM_001145157.2); short protein forms G29R, G162R, G9R.
Identifiers: ClinVar variation 4995443 (VCV004995443.1).
Genomic context (GRCh38, chr15:96,334,117, plus strand): 5'-TCTCCTTTCCTCCCCGCAGCGGTGCAGAGGGGCAGGATGCCGCCGACCCAGCCGACCCAC[G>C]GGCAGTTCGCGCTGACCAACGGGGATCCCCTCAACTGCCACTCGTACCTGTCCGGATATA-3'
Protein context (NP_066285.1, residues 152-172): GRMPPTQPTH[Gly162Arg]QFALTNGDPL

ClinVar aggregate classification (germline): Uncertain significance (1 of 4 stars; one submission).

Conditions:
NR2F2-related disorder. Also called: NR2F2-related condition.

Submission:

PreventionGenetics, part of Exact Sciences
Classification: Uncertain significance for NR2F2-related condition. Last evaluated: 2026-08-24. Review status: criteria provided, single submitter. Criteria: ACMG Guidelines, 2015. Collection method: clinical testing. Allele origin: germline.
Comment: The NR2F2 c.484G>C variant is predicted to result in the amino acid substitution p.Gly162Arg. To our knowledge, this variant has not been reported in the literature or in a large population database (gnomAD), indicating this variant is rare. At this time, the clinical significance of this variant is uncertain due to the absence of conclusive functional and genetic evidence.